The following is an entry in ClinVar:

NM_001145809.2(MYH14):c.2072T>G (p.Val691Gly)

Gene: MYH14 (myosin heavy chain 14; plus strand). Cytogenetic location: 19q13.33.
Variant type: single nucleotide variant.
Coding change: c.2072T>G on transcript NM_001145809.2 (MANE Select); coding-DNA position 2072, T replaced by G.
Protein change: p.Val691Gly; replaces valine 691 with glycine.
Molecular consequence: missense variant.
Genome position (GRCh38, 1-based): chr19:50,257,326, T>G. VCF-style: chr19-50257326-T-G. GRCh37 (hg19) VCF-style: chr19-50760583-T-G.
Other names: c.1973T>G, p.Val658Gly (NM_001077186.2); c.1949T>G, p.Val650Gly (NM_024729.4); short protein forms V650G, V658G, V691G.
Identifiers: ClinVar variation 3768449 (VCV003768449.1).

ClinVar aggregate classification (germline): Uncertain significance (1 of 4 stars; one submission).

Submission:

Women's Health and Genetics/Laboratory Corporation of America, LabCorp
Classification: Uncertain significance. Last evaluated: 2024-12-24. Review status: criteria provided, single submitter. Criteria: LabCorp Variant Classification Summary - May 2015. Collection method: clinical testing. Allele origin: germline.
Comment: Variant summary: MYH14 c.1949T>G (p.Val650Gly) results in a non-conservative amino acid change in the encoded protein sequence. Three of five in-silico tools predict a damaging effect of the variant on protein function. The frequency data for this variant in gnomAD is considered unreliable, as metrics indicate poor data quality at this position. To our knowledge, no occurrence of c.1949T>G in individuals affected with Autosomal dominant nonsyndromic hearing loss 4A and no experimental evidence demonstrating its impact on protein function have been reported. No submitters have cited clinical-significance assessments for this variant to ClinVar. Based on the evidence outlined above, the variant was classified as uncertain significance.